The following is an entry in ClinVar:

ClinVar aggregate classification (germline): Uncertain significance (1 of 4 stars; one submission).

Submission:

GeneDx
Classification: Uncertain significance. Last evaluated: 2022-02-24. Review status: criteria provided, single submitter. Criteria: GeneDx Variant Classification Process June 2021. Collection method: clinical testing. Allele origin: germline. Affected: yes.
Comment: Has not been previously published as pathogenic or benign to our knowledge; Not observed at significant frequency in large population cohorts (gnomAD); In silico analysis supports that this missense variant does not alter protein structure/function

NM_005045.4(RELN):c.7159T>C (p.Ser2387Pro)

Gene: RELN (reelin; minus strand). Cytogenetic location: 7q22.1.
Variant type: single nucleotide variant.
Coding change: c.7159T>C on transcript NM_005045.4 (MANE Select); coding-DNA position 7159, T replaced by C.
Protein change: p.Ser2387Pro; replaces serine 2387 with proline.
Molecular consequence: missense variant.
Genome position (GRCh38, 1-based): chr7:103,539,099, A>G on the plus strand (T>C on the coding strand, the complement: RELN is on the minus strand). VCF-style: chr7-103539099-A-G. GRCh37 (hg19) VCF-style: chr7-103179546-A-G.
Other names: c.7159T>C, p.Ser2387Pro (NM_173054.3); short protein forms S2387P.
Identifiers: ClinVar variation 1707074 (VCV001707074.2), dbSNP rs2484784605, ClinGen allele CA368769018.
Genomic context (GRCh38, chr7:103,539,099, plus strand): 5'-CCACATGCCTGTCCCTCTATCTGGAGACGGCATACTCACCATAACAAGAGTCTGTGACTG[A>G]GCAGGAGGCAGCGAAGTCTATCTGTAGGAAGGAATCCTCATTCACGGCAACGTCTGTGCT-3'
Protein context (NP_005036.2, residues 2377-2397): FLQIDFAASC[Ser2387Pro]VTDSCYAIEL